The following is an entry in ClinVar:

NM_014363.6(SACS):c.9156dup (p.Glu3053fs)

Gene: SACS (sacsin molecular chaperone; minus strand). Cytogenetic location: 13q12.12.
Variant type: Duplication.
Coding change: c.9156dup on transcript NM_014363.6 (MANE Select); coding-DNA position 9156, one base duplicated (A; older notation c.9156dupA).
Protein change: p.Glu3053fs; shifts the reading frame from glutamic acid 3053.
Molecular consequence: frameshift variant.
Genome position (GRCh38, 1-based): chr13:23,334,720, T duplicated on the plus strand (A on the coding strand, the reverse complement: SACS is on the minus strand). VCF-style (leftmost placement, unchanged base first): chr13-23334719-C-CT. GRCh37 (hg19) VCF-style: chr13-23908858-C-CT.
Other names: c.8715dup, p.Glu2906fs (NM_001278055.2); short protein forms E3053fs, E2906fs.
Identifiers: ClinVar variation 2817582 (VCV002817582.3), dbSNP rs2542206398, ClinGen allele CA2739277469.

ClinVar aggregate classification (germline): Pathogenic (1 of 4 stars; one submission).

Conditions:
Spastic paraplegia. Identifiers: MedGen C0037772, HP:0001258.

Submission:

Labcorp Genetics (formerly Invitae), Labcorp
Classification: Pathogenic for Spastic paraplegia. Last evaluated: 2022-12-07. Review status: criteria provided, single submitter. Criteria: Invitae Variant Classification Sherloc (09022015). Collection method: clinical testing. Allele origin: germline.
Comment: This sequence change creates a premature translational stop signal (p.Glu3053Argfs*5) in the SACS gene. While this is not anticipated to result in nonsense mediated decay, it is expected to disrupt the last 1527 amino acid(s) of the SACS protein. This variant is not present in population databases (gnomAD no frequency). This variant has not been reported in the literature in individuals affected with SACS-related conditions. This variant disrupts a region of the SACS protein in which other variant(s) (p.Asn4549Asp) have been determined to be pathogenic (PMID: 15156359, 21507954). This suggests that this is a clinically significant region of the protein, and that variants that disrupt it are likely to be disease-causing. For these reasons, this variant has been classified as Pathogenic.

Literature cited by the submitters: PubMed 15156359; PubMed 21507954.